The following is an entry in ClinVar:

ClinVar aggregate classification (germline): Pathogenic/Likely pathogenic. Review status: criteria provided, multiple submitters, no conflicts (2 of 4 stars). 3 submissions from 3 submitters: Pathogenic (1); Likely pathogenic (2). Last evaluated 2024-05-25.

Conditions:
3-methylcrotonyl-CoA carboxylase 2 deficiency. Also called: METHYLCROTONYLGLYCINURIA, TYPE II; 3 alpha methylcrotonyl-CoA carboxylase 2 deficiency; 3 alpha methylcrotonylglycinuria 2; MCC 2 deficiency; Methylcrotonylglycinuria type 2. Identifiers: Orphanet 6, MedGen C1859499, MONDO:0008862, OMIM 210210.

Submissions (3):

Fulgent Genetics
Classification: Likely pathogenic for 3-methylcrotonyl-CoA carboxylase 2 deficiency. Last evaluated: 2024-05-25. Review status: criteria provided, single submitter. Criteria: ACMG Guidelines, 2015. Collection method: clinical testing. Allele origin: germline.

Natera, Inc.
Classification: Likely pathogenic for 3-methylcrotonyl-CoA carboxylase 2 deficiency. Last evaluated: 2024-03-25. Review status: criteria provided, single submitter. Criteria: Natera Variant Classification Schema (03/2026). Collection method: clinical testing. Allele origin: germline.
Comment: The c.231_232delAA variant in MCCC2 is a frameshift variant predicted to shift the reading frame beginning at codon 79 and leads to a stop codon 9 codons downstream. This variant is expected to result in nonsense mediated decay, truncation, or a dysfunctional protein product. This variant is rare in the general population with a frequency below the threshold expected for the associated phenotype(s). Given the available evidence, this variant is classified as Likely Pathogenic.

Labcorp Genetics (formerly Invitae), Labcorp
Classification: Pathogenic for 3-methylcrotonyl-CoA carboxylase 2 deficiency. Last evaluated: 2024-02-16. Review status: criteria provided, single submitter. Criteria: Invitae Variant Classification Sherloc (09022015). Collection method: clinical testing. Allele origin: germline.
Comment: This sequence change creates a premature translational stop signal (p.Gly79Lysfs*9) in the MCCC2 gene. It is expected to result in an absent or disrupted protein product. Loss-of-function variants in MCCC2 are known to be pathogenic (PMID: 11181649, 22642865). This variant is not present in population databases (gnomAD no frequency). This variant has not been reported in the literature in individuals affected with MCCC2-related conditions. For these reasons, this variant has been classified as Pathogenic.

Literature cited by the submitters: PubMed 11181649 (cited by Labcorp Genetics (formerly Invitae), Labcorp); PubMed 22642865 (cited by Labcorp Genetics (formerly Invitae), Labcorp).

NM_022132.5(MCCC2):c.231_232del (p.Gly79fs)

Gene: MCCC2 (methylcrotonyl-CoA carboxylase subunit 2; plus strand). Cytogenetic location: 5q13.2.
Variant type: Deletion.
Coding change: c.231_232del on transcript NM_022132.5 (MANE Select); coding-DNA positions 231 to 232, 2 bases deleted (AA; older notation c.231_232delAA).
Protein change: p.Gly79fs; shifts the reading frame from glycine 79.
Molecular consequence: frameshift variant.
Genome position (GRCh38, 1-based): chr5:71,596,314-71,596,315, AA deleted. VCF-style (leftmost placement, unchanged base first): chr5-71596313-CAA-C. GRCh37 (hg19) VCF-style: chr5-70892140-CAA-C.
Other names: c.231_232del, p.Gly79fs (NM_001363147.1); c.231_232delAA (NM_022132.4); short protein forms G79fs.
Identifiers: ClinVar variation 3592744 (VCV003592744.5).
Genomic context (GRCh38, chr5:71,596,313, plus strand): 5'-TCTAATCTAATCACATTTCTATCATAGGAGGTGGTGAGAAAGCCCGAGCACTTCACATAT[CAA>C]GAGGAAAACTATTGCCCAGAGAAAGAATTGACAATCTCATAGACCCAGGGTGCGTACATA-3'